The following is an entry in ClinVar:

ClinVar aggregate classification (germline): Uncertain significance (1 of 4 stars; one submission).

Conditions:
Cardiovascular phenotype. Identifiers: MedGen CN230736.

gnomAD v4.1: 3 of 1,613,808 alleles (0.00019%); highest among the groups gnomAD compares: South Asian, 0.0011%; no homozygotes.

Submission:

Ambry Genetics
Classification: Uncertain significance for Cardiovascular phenotype. Last evaluated: 2024-07-07. Review status: criteria provided, single submitter. Criteria: Ambry Variant Classification Scheme 2023. Collection method: clinical testing. Allele origin: germline.
Comment: The p.K216E variant (also known as c.646A>G), located in coding exon 1 of the SHOC2 gene, results from an A to G substitution at nucleotide position 646. The lysine at codon 216 is replaced by glutamic acid, an amino acid with similar properties. This amino acid position is conserved. In addition, this alteration is predicted to be tolerated by in silico analysis. Based on the available evidence, the clinical significance of this variant remains unclear.

NM_007373.4(SHOC2):c.646A>G (p.Lys216Glu)

Gene: SHOC2 (SHOC2 leucine rich repeat scaffold protein; plus strand). Cytogenetic location: 10q25.2.
Variant type: single nucleotide variant.
Coding change: c.646A>G on transcript NM_007373.4 (MANE Select); coding-DNA position 646, A replaced by G.
Protein change: p.Lys216Glu; replaces lysine 216 with glutamic acid.
Molecular consequence: missense variant.
Genome position (GRCh38, 1-based): chr10:110,965,004, A>G. VCF-style: chr10-110965004-A-G. GRCh37 (hg19) VCF-style: chr10-112724762-A-G.
Other names: c.646A>G, p.Lys216Glu (NM_001269039.3, NM_001324336.2, NM_001324337.2); short protein forms K216E.
Identifiers: ClinVar variation 3441505 (VCV003441505.1).